The following is an entry in ClinVar:

ClinVar aggregate classification (germline): Conflicting classifications of pathogenicity. Review status: criteria provided, conflicting classifications (1 of 4 stars). 7 submissions from 6 submitters: Uncertain significance (6); Likely benign (1). Last evaluated 2026-09-14.

Conditions:
Nephronophthisis 12 (NPHP12). Identifiers: Orphanet 655, MedGen C3151186, MONDO:0013442, OMIM 613820.
Asphyxiating thoracic dystrophy 4 (SRTD4). Also called: SHORT-RIB THORACIC DYSPLASIA 4 WITH OR WITHOUT POLYDACTYLY; SHORT-RIB THORACIC DYSPLASIA 4. Identifiers: Orphanet 474, MedGen C3151185, MONDO:0013441, OMIM 613819.
TTC21B-related disorder. Also called: TTC21B-related disorders; TTC21B-related condition.
Nephronophthisis. Also called: Juvenile Nephronophthisis. Identifiers: Orphanet 655, MedGen C0687120, MONDO:0019005, HP:0000090.
Jeune thoracic dystrophy. Also called: Infantile thoracic dystrophy; Thoracic pelvic phalangeal dystrophy; Jeune's syndrome; Chondroectodermal dysplasia-like syndrome; Jeune syndrome; Short-rib thoracic dysplasia. Identifiers: Orphanet 474, MedGen C0265275, MONDO:0018770.

Allele frequency attached by ClinVar (database versions not stated): ExAC 0.00008; gnomAD exomes 0.00010 and 0.00003; ESP Exome Variant Server 0.00023; 1000 Genomes Project 30x 0.00031; TOPMed 0.00032; 1000 Genomes Project 0.00040.
gnomAD v4.1: 86 of 1,614,064 alleles (0.0053%); highest among the groups gnomAD compares: African/African-American, 0.1%; no homozygotes.

Submissions (7):

PreventionGenetics, part of Exact Sciences
Classification: Uncertain significance for TTC21B-related condition. Last evaluated: 2026-09-14. Review status: criteria provided, single submitter. Criteria: ACMG Guidelines, 2015. Collection method: clinical testing. Allele origin: germline.
Comment: The TTC21B c.1637C>T variant is predicted to result in the amino acid substitution p.Ser546Phe. To our knowledge, this variant has not been reported in the literature. This variant is reported in 0.11% of alleles in individuals of African descent in gnomAD, which is likely too common for an undocumented disease-causing variant. Although we suspect that this variant may be benign, at this time, the clinical significance of this variant is uncertain due to the absence of conclusive functional and genetic evidence.

Labcorp Genetics (formerly Invitae), Labcorp
Classification: Likely benign for Jeune thoracic dystrophy; Nephronophthisis. Last evaluated: 2025-12-14. Review status: criteria provided, single submitter. Criteria: Invitae Variant Classification Sherloc (09022015). Collection method: clinical testing. Allele origin: germline.

GeneDx
Classification: Uncertain significance. Last evaluated: 2024-10-07. Review status: criteria provided, single submitter. Criteria: GeneDx Variant Classification Process June 2021. Collection method: clinical testing. Allele origin: germline. Affected: yes.
Comment: In silico analysis supports that this missense variant has a deleterious effect on protein structure/function; Has not been previously published as pathogenic or benign to our knowledge

Blueprint Genetics
Classification: Uncertain significance. Last evaluated: 2024-03-26. Review status: criteria provided, single submitter. Criteria: ACMG Guidelines, 2015. Collection method: clinical testing. Allele origin: germline.

Fulgent Genetics
Classification: Uncertain significance for Asphyxiating thoracic dystrophy 4; Nephronophthisis 12. Last evaluated: 2024-03-17. Review status: criteria provided, single submitter. Criteria: ACMG Guidelines, 2015. Collection method: clinical testing. Allele origin: germline.

Illumina Laboratory Services, Illumina
Classification: Uncertain significance for Nephronophthisis 12. Last evaluated: 2018-01-13. Review status: criteria provided, single submitter. Criteria: ICSL Variant Classification Criteria 13 December 2019. Collection method: clinical testing. Allele origin: germline.

Illumina Laboratory Services, Illumina
Classification: Uncertain significance for Asphyxiating thoracic dystrophy 4. Last evaluated: 2018-01-13. Review status: criteria provided, single submitter. Criteria: ICSL Variant Classification Criteria 13 December 2019. Collection method: clinical testing. Allele origin: germline.

NM_024753.5(TTC21B):c.1637C>T (p.Ser546Phe)

Gene: TTC21B (tetratricopeptide repeat domain 21B; minus strand). Cytogenetic location: 2q24.3.
Variant type: single nucleotide variant.
Coding change: c.1637C>T on transcript NM_024753.5 (MANE Select); coding-DNA position 1637, C replaced by T.
Protein change: p.Ser546Phe; replaces serine 546 with phenylalanine.
Molecular consequence: missense variant.
Genome position (GRCh38, 1-based): chr2:165,919,313, G>A on the plus strand (C>T on the coding strand, the complement: TTC21B is on the minus strand). VCF-style: chr2-165919313-G-A. GRCh37 (hg19) VCF-style: chr2-166775823-G-A.
Other names: short protein forms S546F.
Identifiers: ClinVar variation 892605 (VCV000892605.14), dbSNP rs140323384, ClinGen allele CA1942068.